The following is an entry in ClinVar:

ClinVar aggregate classification (germline): Conflicting classifications of pathogenicity. Review status: criteria provided, conflicting classifications (1 of 4 stars). 3 submissions from 3 submitters: Uncertain significance (2); Likely benign (1). Last evaluated 2025-08-20.

Allele frequency attached by ClinVar (database versions not stated): gnomAD exomes 0.00003 and 0.00009; ExAC 0.00013; 1000 Genomes Project 30x 0.00031; ESP Exome Variant Server 0.00031; 1000 Genomes Project 0.00040; gnomAD 0.00048 and 0.00052; TOPMed 0.00050.
gnomAD v4.1: 121 of 1,614,118 alleles (0.0075%); highest among the groups gnomAD compares: African/African-American, 0.15%; no homozygotes.

Submissions (3):

Labcorp Genetics (formerly Invitae), Labcorp
Classification: Uncertain significance. Last evaluated: 2025-08-20. Review status: criteria provided, single submitter. Criteria: Invitae Variant Classification Sherloc (09022015). Collection method: clinical testing. Allele origin: germline.
Comment: This sequence change replaces threonine, which is neutral and polar, with asparagine, which is neutral and polar, at codon 113 of the ELMOD3 protein (p.Thr113Asn). This variant is present in population databases (rs201461413, gnomAD 0.2%), and has an allele count higher than expected for a pathogenic variant. This variant has not been reported in the literature in individuals affected with ELMOD3-related conditions. ClinVar contains an entry for this variant (Variation ID: 1316814). Invitae Evidence Modeling of protein sequence and biophysical properties (such as structural, functional, and spatial information, amino acid conservation, physicochemical variation, residue mobility, and thermodynamic stability) indicates that this missense variant is not expected to disrupt ELMOD3 protein function with a negative predictive value of 80%. In summary, the available evidence is currently insufficient to determine the role of this variant in disease. Therefore, it has been classified as a Variant of Uncertain Significance.

Ambry Genetics
Classification: Uncertain significance. Last evaluated: 2023-12-26. Review status: criteria provided, single submitter. Criteria: Ambry Variant Classification Scheme 2023. Collection method: clinical testing. Allele origin: germline.

GeneDx
Classification: Likely benign. Last evaluated: 2018-08-13. Review status: criteria provided, single submitter. Criteria: GeneDx Variant Classification Process June 2021. Collection method: clinical testing. Allele origin: germline. Affected: yes.

NM_001135022.2(ELMOD3):c.338C>A (p.Thr113Asn)

Gene: ELMOD3 (ELMO domain containing 3; plus strand). Cytogenetic location: 2p11.2.
Variant type: single nucleotide variant.
Coding change: c.338C>A on transcript NM_001135022.2 (MANE Select); coding-DNA position 338, C replaced by A.
Protein change: p.Thr113Asn; replaces threonine 113 with asparagine.
Molecular consequence: missense variant. On other transcripts: non-coding transcript variant (3).
Genome position (GRCh38, 1-based): chr2:85,369,808, C>A. VCF-style: chr2-85369808-C-A. GRCh37 (hg19) VCF-style: chr2-85596931-C-A.
Other names: c.338C>A, p.Thr113Asn (NM_001135021.2, NM_001135023.2, NM_001329791.2 and 3 more transcripts); short protein forms T113N.
Identifiers: ClinVar variation 1316814 (VCV001316814.4), dbSNP rs201461413, ClinGen allele CA1740303.